The following is an entry in ClinVar:

NM_015631.6(TCTN3):c.931C>T (p.Leu311=)

Gene: TCTN3 (tectonic family member 3; minus strand). Cytogenetic location: 10q24.1.
Variant type: single nucleotide variant.
Coding change: c.931C>T on transcript NM_015631.6 (MANE Select); coding-DNA position 931, C replaced by T.
Protein change: p.Leu311=; no amino-acid change (leucine 311 retained).
Molecular consequence: synonymous variant. On other transcripts: intron variant (1).
Genome position (GRCh38, 1-based): chr10:95,685,594, G>A on the plus strand (C>T on the coding strand, the complement: TCTN3 is on the minus strand). VCF-style: chr10-95685594-G-A. GRCh37 (hg19) VCF-style: chr10-97445351-G-A.
Other names: c.931C>T (NM_015631.5); c.651+901C>T (NM_001143973.2).
Identifiers: ClinVar variation 282958 (VCV000282958.14), dbSNP rs774592467, ClinGen allele CA5621013.
Genomic context (GRCh38, chr10:95,685,594, plus strand): 5'-AATCTGAGGTCAGTATCCCTACCTGAGAAACTACATTCTGACAAGTGTTTCCAGCCAACA[G>A]AGGAGCATTAGCCTGTGAGGTAAGTATTACAGGAACCTGGAACTAGCAACGAAAAGAAGC-3'
Protein context (NP_056446.4, residues 301-321): VILTSQANAP[Leu311=]LAGNTCQNVV

ClinVar aggregate classification (germline): Conflicting classifications of pathogenicity. Review status: criteria provided, conflicting classifications (1 of 4 stars). 4 submissions from 4 submitters: Uncertain significance (1); Likely benign (3). Last evaluated 2025-05-04.

Conditions:
TCTN3-related disorder. Also called: TCTN3-related condition.
Orofacial-digital syndrome IV (OFD4). Also called: Orofaciodigital syndrome IV; BARAITSER-BURN SYNDROME; OFD SYNDROME WITH TIBIAL DEFECTS; OFD SYNDROME, BARAITSER-BURN TYPE; OFDS IV; ORAL-FACIAL-DIGITAL SYNDROME, TYPE IV. Identifiers: Orphanet 2753, MedGen C0406727, MONDO:0009794, OMIM 258860.
Joubert syndrome 18 (JBTS18). Identifiers: Orphanet 2754, MedGen C3553758, MONDO:0013896, OMIM 614815.

Allele frequency attached by ClinVar (database versions not stated): gnomAD exomes 0.00001 and 0.00003; gnomAD 0.00002 and 0.00003; TOPMed 0.00003; ExAC 0.00005.

Submissions (4):

PreventionGenetics, part of Exact Sciences
Classification: Likely benign for TCTN3-related condition. Last evaluated: 2025-05-04. Review status: criteria provided, single submitter. Criteria: ACMG Guidelines, 2015. Collection method: clinical testing. Allele origin: germline.
Comment: This variant is classified as likely benign based on ACMG/AMP sequence variant interpretation guidelines (Richards et al. 2015 PMID: 25741868, with internal and published modifications).

Blueprint Genetics
Classification: Likely benign. Last evaluated: 2022-10-17. Review status: criteria provided, single submitter. Criteria: ACMG Guidelines, 2015. Collection method: clinical testing. Allele origin: germline.

Labcorp Genetics (formerly Invitae), Labcorp
Classification: Likely benign for Joubert syndrome 18; Orofacial-digital syndrome IV. Last evaluated: 2022-01-17. Review status: criteria provided, single submitter. Criteria: Invitae Variant Classification Sherloc (09022015). Collection method: clinical testing. Allele origin: germline.

Eurofins Ntd Llc (ga)
Classification: Uncertain significance. Last evaluated: 2015-09-02. Review status: criteria provided, single submitter. Criteria: EGL Classification Definitions 2015. Collection method: clinical testing. Allele origin: germline. Observed: 1 variant allele, 1 heterozygote.